The following is an entry in ClinVar:

NM_000718.4(CACNA1B):c.6157C>A (p.His2053Asn)

Gene: CACNA1B (calcium voltage-gated channel subunit alpha1 B; plus strand). Cytogenetic location: 9q34.3.
Variant type: single nucleotide variant.
Coding change: c.6157C>A on transcript NM_000718.4 (MANE Select); coding-DNA position 6157, C replaced by A.
Protein change: p.His2053Asn; replaces histidine 2053 with asparagine.
Molecular consequence: missense variant.
Genome position (GRCh38, 1-based): chr9:138,120,291, C>A. VCF-style: chr9-138120291-C-A. GRCh37 (hg19) VCF-style: chr9-141014743-C-A.
Other names: c.6157C>A, p.His2053Asn (NM_001243812.2); short protein forms H2053N.
Identifiers: ClinVar variation 1717482 (VCV001717482.5), dbSNP rs1376754174, ClinGen allele CA375822225.

ClinVar aggregate classification (germline): Uncertain significance (1 of 4 stars; one submission).

gnomAD v4.1: 13 of 1,569,360 alleles (0.00083%); highest among the groups gnomAD compares: East Asian, 0.0024%; no homozygotes.

Submission:

Labcorp Genetics (formerly Invitae), Labcorp
Classification: Uncertain significance. Last evaluated: 2022-10-17. Review status: criteria provided, single submitter. Criteria: Invitae Variant Classification Sherloc (09022015). Collection method: clinical testing. Allele origin: germline.
Comment: This sequence change replaces histidine, which is basic and polar, with asparagine, which is neutral and polar, at codon 2053 of the CACNA1B protein (p.His2053Asn). This variant is not present in population databases (gnomAD no frequency). This variant has not been reported in the literature in individuals affected with CACNA1B-related conditions. Advanced modeling of protein sequence and biophysical properties (such as structural, functional, and spatial information, amino acid conservation, physicochemical variation, residue mobility, and thermodynamic stability) performed at Invitae indicates that this missense variant is not expected to disrupt CACNA1B protein function. In summary, the available evidence is currently insufficient to determine the role of this variant in disease. Therefore, it has been classified as a Variant of Uncertain Significance.